The following is an entry in ClinVar:

NM_007294.4(BRCA1):c.3985G>A (p.Glu1329Lys)

Genes: BRCA1 (BRCA1 DNA repair associated; minus strand), LOC126862571 (BRD4-independent group 4 enhancer GRCh37_chr17:41243136-41244335; plus strand). Cytogenetic location: 17q21.31.
Variant type: single nucleotide variant.
Coding change: c.3985G>A on transcript NM_007294.4 (MANE Select); coding-DNA position 3985, G replaced by A.
Protein change: p.Glu1329Lys; replaces glutamic acid 1329 with lysine.
Molecular consequence: missense variant. On other transcripts: intron variant (135).
Genome position (GRCh38, 1-based): chr17:43,091,546, C>T on the plus strand (G>A on the coding strand, the complement: BRCA1 is on the minus strand). VCF-style: chr17-43091546-C-T. GRCh37 (hg19) VCF-style: chr17-41243563-C-T.
Other names: c.3772G>A, p.Glu1258Lys (NM_001407571.1, NM_001407853.1, NM_001407894.1 and 9 more transcripts); c.3985G>A, p.Glu1329Lys (NM_001407581.1, NM_001407582.1, NM_001407583.1 and 30 more transcripts); c.3982G>A, p.Glu1328Lys (NM_001407587.1, NM_001407590.1, NM_001407591.1 and 22 more transcripts); c.3976G>A, p.Glu1326Lys (NM_001407646.1, NM_001407647.1); c.3862G>A, p.Glu1288Lys (NM_001407648.1, NM_001407664.1, NM_001407665.1 and 19 more transcripts); c.3859G>A, p.Glu1287Lys (NM_001407649.1, NM_001407670.1, NM_001407671.1 and 11 more transcripts); c.3907G>A, p.Glu1303Lys (NM_001407653.1, NM_001407654.1, NM_001407655.1 and 4 more transcripts); c.3904G>A, p.Glu1302Lys (NM_001407659.1, NM_001407660.1, NM_001407661.1 and 1 more transcripts); and 41 more; short protein forms E1329K, E1282K, E1202K, E1217K, E1261K, E1287K, E1302K, E1328K.
Identifiers: ClinVar variation 231968 (VCV000231968.20), dbSNP rs876659467, ClinGen allele CA10580538.

ClinVar aggregate classification (germline): Conflicting classifications of pathogenicity. Review status: criteria provided, conflicting classifications (1 of 4 stars). 6 submissions from 6 submitters: Uncertain significance (5); Likely benign (1). Last evaluated 2026-05-12.

Conditions:
Hereditary cancer-predisposing syndrome. Also called: Neoplastic Syndromes, Hereditary; Tumor predisposition; Hereditary Cancer Syndrome; Hereditary neoplastic syndrome. Identifiers: Orphanet 140162, MedGen C0027672, MeSH D009386, MONDO:0015356.
Hereditary breast ovarian cancer syndrome. Also called: Hereditary breast and ovarian cancer; BRCA1- and BRCA2-Associated Hereditary Breast and Ovarian Cancer; Breast and ovarian cancer; Hereditary breast and ovarian cancer syndrome; Hereditary breast and ovarian cancer syndrome (HBOC); Hereditary breast and/or ovarian cancer syndrome. Identifiers: Orphanet 145, MedGen C0677776, MeSH D061325, MONDO:0003582. Disease mechanism: loss of function.

Submissions (6):

Women's Health and Genetics/Laboratory Corporation of America, LabCorp
Classification: Uncertain significance. Last evaluated: 2026-05-12. Review status: criteria provided, single submitter. Criteria: LabCorp Variant Classification Summary - May 2015. Collection method: clinical testing. Allele origin: germline.
Comment: Variant summary: BRCA1 c.3985G>A (p.Glu1329Lys) results in a conservative amino acid change in the encoded protein sequence. Algorithms developed to predict the effect of missense changes on protein structure and function all suggest that this variant is likely to be tolerated. The variant was absent in 251218 control chromosomes. The available data on variant occurrences in the general population are insufficient to allow any conclusion about variant significance. To our knowledge, no occurrence of c.3985G>A in individuals affected with BRCA1-related conditions and no experimental evidence demonstrating its impact on protein function have been reported. ClinVar contains an entry for this variant (Variation ID: 231968). Based on the evidence outlined above, the variant was classified as uncertain significance.

Labcorp Genetics (formerly Invitae), Labcorp
Classification: Uncertain significance for Hereditary breast ovarian cancer syndrome. Last evaluated: 2026-01-16. Review status: criteria provided, single submitter. Criteria: Invitae Variant Classification Sherloc (09022015). Collection method: clinical testing. Allele origin: germline.
Comment: This sequence change replaces glutamic acid, which is acidic and polar, with lysine, which is basic and polar, at codon 1329 of the BRCA1 protein (p.Glu1329Lys). This variant is not present in population databases (gnomAD no frequency). This variant has not been reported in the literature in individuals affected with BRCA1-related conditions. ClinVar contains an entry for this variant (Variation ID: 231968). Invitae Evidence Modeling of protein sequence and biophysical properties (such as structural, functional, and spatial information, amino acid conservation, physicochemical variation, residue mobility, and thermodynamic stability) indicates that this missense variant is not expected to disrupt BRCA1 protein function with a negative predictive value of 80%. In summary, the available evidence is currently insufficient to determine the role of this variant in disease. Therefore, it has been classified as a Variant of Uncertain Significance.

Ambry Genetics
Classification: Uncertain significance for Hereditary cancer-predisposing syndrome. Last evaluated: 2025-02-20. Review status: criteria provided, single submitter. Criteria: Ambry Variant Classification Scheme 2023. Collection method: clinical testing. Allele origin: germline.
Comment: The p.E1329K variant (also known as c.3985G>A), located in coding exon 9 of the BRCA1 gene, results from a G to A substitution at nucleotide position 3985. The glutamic acid at codon 1329 is replaced by lysine, an amino acid with similar properties. This amino acid position is not well conserved in available vertebrate species. In addition, the in silico prediction for this alteration is inconclusive. Since supporting evidence is limited at this time, the clinical significance of this alteration remains unclear.

Quest Diagnostics Nichols Institute San Juan Capistrano
Classification: Uncertain significance. Last evaluated: 2025-01-06. Review status: criteria provided, single submitter. Criteria: Quest Diagnostics criteria. Collection method: clinical testing. Allele origin: unknown.
Comment: The BRCA1 c.3985G>A (p.Glu1329Lys) variant has been reported in the published literature in an individual with a personal or family history of cancer (PMID: 31853058 (2020)), and described to be located in a region of the BRCA1 gene that is tolerant to missense sequence changes (PMID: 31911673 (2020)). This variant has not been reported in large, multi-ethnic general populations (Genome Aggregation Database). Analysis of this variant using bioinformatics tools for the prediction of the effect of amino acid changes on protein structure and function yielded predictions that this variant is benign. Based on the available information, we are unable to determine the clinical significance of this variant.

University of Washington Department of Laboratory Medicine, University of Washington
Classification: Likely benign for Hereditary cancer-predisposing syndrome. Last evaluated: 2023-03-23. Review status: criteria provided, single submitter. Criteria: Dines et al. (Genet Med. 2020). Collection method: curation. Allele origin: germline.
Comment: Missense variant in a coldspot region where missense variants are very unlikely to be pathogenic (PMID:31911673).

BRCA1 coldspot (exon 11 using historical exon numbering). Reclassification based on statistical prior probability

Color Diagnostics, LLC DBA Color Health
Classification: Uncertain significance for Hereditary cancer-predisposing syndrome. Last evaluated: 2022-01-06. Review status: criteria provided, single submitter. Criteria: ACMG Guidelines, 2015. Collection method: clinical testing. Allele origin: germline.
Comment: This missense variant replaces glutamic acid with lysine at codon 1329 of the BRCA1 protein. Computational prediction is inconclusive regarding the impact of this variant on protein structure and function (internally defined REVEL score threshold 0.5 < inconclusive < 0.7, PMID: 27666373). To our knowledge, functional studies have not been reported for this variant. This variant has not been reported in individuals affected with hereditary cancer in the literature. This variant has not been identified in the general population by the Genome Aggregation Database (gnomAD). The available evidence is insufficient to determine the role of this variant in disease conclusively. Therefore, this variant is classified as a Variant of Uncertain Significance.

Literature cited by the submitters: PubMed 31853058 (cited by Quest Diagnostics Nichols Institute San Juan Capistrano); PubMed 31911673 (cited by Quest Diagnostics Nichols Institute San Juan Capistrano).